The following is an entry in ClinVar:

ClinVar aggregate classification (germline): Uncertain significance (1 of 4 stars; one submission).

Conditions:
Familial meningioma. Also called: Meningioma, familial, susceptibility to. Identifiers: Orphanet 263662, MedGen C3551915, MONDO:0011789, OMIM 607174.

Allele frequency attached by ClinVar (database versions not stated): TOPMed below 0.00001; gnomAD 0.00001.
gnomAD v4.1: 1 of 1,614,016 alleles (0.000062%); highest among the groups gnomAD compares: Non-Finnish European, 0.000085%; no homozygotes.

Submission:

Labcorp Genetics (formerly Invitae), Labcorp
Classification: Uncertain significance for Familial meningioma. Last evaluated: 2024-01-17. Review status: criteria provided, single submitter. Criteria: Invitae Variant Classification Sherloc (09022015). Collection method: clinical testing. Allele origin: germline.
Comment: This sequence change replaces glutamic acid, which is acidic and polar, with lysine, which is basic and polar, at codon 312 of the SMARCE1 protein (p.Glu312Lys). This variant is not present in population databases (gnomAD no frequency). This variant has not been reported in the literature in individuals affected with SMARCE1-related conditions. Advanced modeling of protein sequence and biophysical properties (such as structural, functional, and spatial information, amino acid conservation, physicochemical variation, residue mobility, and thermodynamic stability) performed at Invitae indicates that this missense variant is not expected to disrupt SMARCE1 protein function with a negative predictive value of 80%. In summary, the available evidence is currently insufficient to determine the role of this variant in disease. Therefore, it has been classified as a Variant of Uncertain Significance.

NM_003079.5(SMARCE1):c.934G>A (p.Glu312Lys)

Gene: SMARCE1 (SWI/SNF related BAF chromatin remodeling complex subunit E1; minus strand). Cytogenetic location: 17q21.2.
Variant type: single nucleotide variant.
Coding change: c.934G>A on transcript NM_003079.5 (MANE Select); coding-DNA position 934, G replaced by A.
Protein change: p.Glu312Lys; replaces glutamic acid 312 with lysine.
Molecular consequence: missense variant.
Genome position (GRCh38, 1-based): chr17:40,630,807, C>T on the plus strand (G>A on the coding strand, the complement: SMARCE1 is on the minus strand). VCF-style: chr17-40630807-C-T. GRCh37 (hg19) VCF-style: chr17-38787059-C-T.
Other names: short protein forms E312K.
Identifiers: ClinVar variation 2709758 (VCV002709758.3), dbSNP rs1430611904, ClinGen allele CA399363565.